The following is an entry in ClinVar:

NM_000466.3(PEX1):c.2050C>T (p.Gln684Ter)

Gene: PEX1 (peroxisomal biogenesis factor 1; minus strand). Cytogenetic location: 7q21.2.
Variant type: single nucleotide variant.
Coding change: c.2050C>T on transcript NM_000466.3 (MANE Select); coding-DNA position 2050, C replaced by T.
Protein change: p.Gln684Ter; replaces glutamine 684 with a stop codon.
Molecular consequence: nonsense. On other transcripts: intron variant (1).
Genome position (GRCh38, 1-based): chr7:92,504,753, G>A on the plus strand (C>T on the coding strand, the complement: PEX1 is on the minus strand). VCF-style: chr7-92504753-G-A. GRCh37 (hg19) VCF-style: chr7-92134067-G-A.
Other names: c.1426C>T, p.Gln476Ter (NM_001282678.2); c.1900+1495C>T (NM_001282677.2); c.2050C>T (NM_000466.2); short protein forms Q684*, Q476*.
Identifiers: ClinVar variation 2094567 (VCV002094567.6), dbSNP rs2484668233, ClinGen allele CA368182924.
Genomic context (GRCh38, chr7:92,504,753, plus strand): 5'-AAAAGAACAAGACCTTAAGCCAGTGGTGGATGCATTTACCATGAGCAAGCCGCTGGCTCT[G>A]CACCGCATCAGGACTGTGCTCATGTTCCGGGACAGCAGGCAGTCCAGCAATGAGGTCAAG-3'

ClinVar aggregate classification (germline): Pathogenic. Review status: criteria provided, multiple submitters, no conflicts (2 of 4 stars). 3 submissions from 3 submitters: Pathogenic (3). Last evaluated 2025-10-06.

Conditions:
Zellweger spectrum disorders (ZS). Also called: Zellweger syndrome; Zellweger Spectrum Disorder; Zellweger Spectrum; Zellweger Spectrum Disorder (ZSD). Identifiers: Orphanet 912, MedGen C0043459, MONDO:0019609.
Peroxisome biogenesis disorder 1A (Zellweger) (PBD1A). Also called: Zellweger leukodystrophy; Peroxisome biogenesis disorder 1a. Identifiers: MedGen C4721541, MONDO:0008953, OMIM 214100.
Heimler syndrome 1 (HMLR1). Also called: PEROXISOME BIOGENESIS DISORDER 1C. Identifiers: Orphanet 3220, MedGen C4551980, OMIM 234580, MONDO:0024544.
Peroxisome biogenesis disorder 1B (PBD1B). Also called: Refsum disease, infantile form; Infantile Refsum disease; Infantile form of phytanic acid storage disease; ADRENOLEUKODYSTROPHY, AUTOSOMAL NEONATAL; PEROXISOME BIOGENESIS DISORDER (NEONATAL ADRENOLEUKODYSTROPHY/INFANTILE REFSUM DISEASE); INFANTILE PHYTANIC ACID STORAGE DISEASE. Identifiers: Orphanet 44, MedGen C0282527, MONDO:0011101, OMIM 601539.

Submissions (3):

Natera, Inc.
Classification: Pathogenic for Zellweger syndrome. Last evaluated: 2025-10-06. Review status: criteria provided, single submitter. Criteria: Natera Variant Classification Schema (03/2026). Collection method: clinical testing. Allele origin: germline.
Comment: The c.2050C>T variant in PEX1 is a nonsense variant predicted to introduce a stop codon at amino acid 684. This variant is expected to result in nonsense mediated decay, truncation, or a dysfunctional protein product. This variant is rare in the general population with a frequency below the threshold expected for the associated phenotype(s). This variant has been observed in one or more individuals affected with the associated recessive disease, as either homozygous or compound heterozygous with a second variant (PMID: 34671977). Given the available evidence, this variant is classified as Pathogenic.

Fulgent Genetics
Classification: Pathogenic for Peroxisome biogenesis disorder 1A (Zellweger); Heimler syndrome 1; Peroxisome biogenesis disorder 1B. Last evaluated: 2024-03-18. Review status: criteria provided, single submitter. Criteria: ACMG Guidelines, 2015. Collection method: clinical testing. Allele origin: germline.

Labcorp Genetics (formerly Invitae), Labcorp
Classification: Pathogenic for Zellweger spectrum disorders. Last evaluated: 2023-08-29. Review status: criteria provided, single submitter. Criteria: Invitae Variant Classification Sherloc (09022015). Collection method: clinical testing. Allele origin: germline.
Comment: For these reasons, this variant has been classified as Pathogenic. ClinVar contains an entry for this variant (Variation ID: 2094567). This premature translational stop signal has been observed in individual(s) with peroxisomal biogenesis disorder (PMID: 33240318). This variant is not present in population databases (gnomAD no frequency). This sequence change creates a premature translational stop signal (p.Gln684*) in the PEX1 gene. It is expected to result in an absent or disrupted protein product. Loss-of-function variants in PEX1 are known to be pathogenic (PMID: 21031596, 26387595, 31831025).

Literature cited by the submitters: PubMed 34671977 (cited by Natera, Inc.); PubMed 33240318 (cited by Labcorp Genetics (formerly Invitae), Labcorp); PubMed 21031596 (cited by Labcorp Genetics (formerly Invitae), Labcorp); PubMed 26387595 (cited by Labcorp Genetics (formerly Invitae), Labcorp); PubMed 31831025 (cited by Labcorp Genetics (formerly Invitae), Labcorp).